The following is an entry in ClinVar:

ClinVar aggregate classification (germline): Uncertain significance. Review status: criteria provided, multiple submitters, no conflicts (2 of 4 stars). 2 submissions from 2 submitters: Uncertain significance (2). Last evaluated 2024-01-08.

Conditions:
Inborn genetic diseases. Identifiers: MedGen C0950123, MeSH D030342.

Allele frequency attached by ClinVar (database versions not stated): ExAC 0.00009; gnomAD 0.00009 and 0.00010; gnomAD exomes 0.00009 and 0.00010; TOPMed 0.00012.
gnomAD v4.1: 149 of 1,613,292 alleles (0.0092%); highest among the groups gnomAD compares: Middle Eastern, 0.066%; no homozygotes.

Submissions (2):

Ambry Genetics
Classification: Uncertain significance for Inborn genetic diseases. Last evaluated: 2024-01-08. Review status: criteria provided, single submitter. Criteria: Ambry Variant Classification Scheme 2023. Collection method: clinical testing. Allele origin: germline.

Labcorp Genetics (formerly Invitae), Labcorp
Classification: Uncertain significance. Last evaluated: 2021-12-12. Review status: criteria provided, single submitter. Criteria: Invitae Variant Classification Sherloc (09022015). Collection method: clinical testing. Allele origin: germline.
Comment: Algorithms developed to predict the effect of missense changes on protein structure and function are either unavailable or do not agree on the potential impact of this missense change (SIFT: "Tolerated"; PolyPhen-2: "Probably Damaging"; Align-GVGD: "Class C0"). In summary, the available evidence is currently insufficient to determine the role of this variant in disease. Therefore, it has been classified as a Variant of Uncertain Significance. This variant has not been reported in the literature in individuals affected with SULT2B1-related conditions. This variant is present in population databases (rs146090633, gnomAD 0.04%). This sequence change replaces aspartic acid, which is acidic and polar, with asparagine, which is neutral and polar, at codon 61 of the SULT2B1 protein (p.Asp61Asn).

NM_177973.2(SULT2B1):c.181G>A (p.Asp61Asn)

Gene: SULT2B1 (sulfotransferase family 2B member 1; plus strand). Cytogenetic location: 19q13.33.
Variant type: single nucleotide variant.
Coding change: c.181G>A on transcript NM_177973.2 (MANE Select); coding-DNA position 181, G replaced by A.
Protein change: p.Asp61Asn; replaces aspartic acid 61 with asparagine.
Molecular consequence: missense variant.
Genome position (GRCh38, 1-based): chr19:48,576,050, G>A. VCF-style: chr19-48576050-G-A. GRCh37 (hg19) VCF-style: chr19-49079307-G-A.
Other names: c.136G>A, p.Asp46Asn (NM_004605.2); short protein forms D61N, D46N.
Identifiers: ClinVar variation 1368554 (VCV001368554.6), dbSNP rs146090633, ClinGen allele CA9552997.